The following is an entry in ClinVar:

ClinVar aggregate classification (germline): Uncertain significance. Review status: criteria provided, multiple submitters, no conflicts (2 of 4 stars). 2 submissions from 2 submitters: Uncertain significance (2). Last evaluated 2024-10-17.

Conditions:
Pigmentary pallidal degeneration (NBIA1). Also called: Pantothenate Kinase-Associated Neurodegeneration; Neuroaxonal dystrophy, late infantile; Hallervorden-Spatz disease; Neurodegeneration with brain iron accumulation 1; HARP SYNDROME; PKAN NEUROAXONAL DYSTROPHY, JUVENILE-ONSET. Identifiers: Orphanet 157850, MedGen C0018523, MONDO:0009319, OMIM 234200.

Allele frequency attached by ClinVar (database versions not stated): ExAC 0.00001; gnomAD 0.00002; TOPMed 0.00002; gnomAD exomes 0.00003.
gnomAD v4.1: 53 of 1,613,932 alleles (0.0033%); highest among the groups gnomAD compares: Non-Finnish European, 0.0042%; no homozygotes.

Submissions (2):

Labcorp Genetics (formerly Invitae), Labcorp
Classification: Uncertain significance for Pigmentary pallidal degeneration. Last evaluated: 2024-10-17. Review status: criteria provided, single submitter. Criteria: Invitae Variant Classification Sherloc (09022015). Collection method: clinical testing. Allele origin: germline.
Comment: This sequence change replaces asparagine, which is neutral and polar, with aspartic acid, which is acidic and polar, at codon 511 of the PANK2 protein (p.Asn511Asp). This variant is present in population databases (rs767653843, gnomAD 0.004%). This missense change has been observed in individual(s) with neurodegeneration with brain iron accumulation (PMID: 12510040). This variant is also known as c.1201A>G (p.N401D). ClinVar contains an entry for this variant (Variation ID: 2192323). Invitae Evidence Modeling of protein sequence and biophysical properties (such as structural, functional, and spatial information, amino acid conservation, physicochemical variation, residue mobility, and thermodynamic stability) indicates that this missense variant is expected to disrupt PANK2 protein function with a positive predictive value of 95%. In summary, the available evidence is currently insufficient to determine the role of this variant in disease. Therefore, it has been classified as a Variant of Uncertain Significance.

Blueprint Genetics
Classification: Uncertain significance. Last evaluated: 2021-01-27. Review status: criteria provided, single submitter. Criteria: ACMG Guidelines, 2015. Collection method: clinical testing. Allele origin: germline.

Literature cited by the submitters: PubMed 12510040 (cited by Labcorp Genetics (formerly Invitae), Labcorp).

NM_001386393.1(PANK2):c.1201A>G (p.Asn401Asp)

Gene: PANK2 (pantothenate kinase 2; plus strand). Cytogenetic location: 20p13.
Variant type: single nucleotide variant.
Coding change: c.1201A>G on transcript NM_001386393.1 (MANE Select); coding-DNA position 1201, A replaced by G.
Protein change: p.Asn401Asp; replaces asparagine 401 with aspartic acid.
Molecular consequence: missense variant. On other transcripts: non-coding transcript variant (1).
Genome position (GRCh38, 1-based): chr20:3,917,045, A>G. VCF-style: chr20-3917045-A-G. GRCh37 (hg19) VCF-style: chr20-3897692-A-G.
Other names: c.658A>G, p.Asn220Asp (NM_001324191.2, NM_024960.6, NM_153640.4); c.223A>G, p.Asn75Asp (NM_001324193.2); c.1531A>G, p.Asn511Asp (NM_153638.4); short protein forms N75D, N220D, N401D, N511D.
Identifiers: ClinVar variation 2192323 (VCV002192323.4), dbSNP rs767653843, ClinGen allele CA9750879.